The following is an entry in ClinVar:

ClinVar aggregate classification (germline): Conflicting classifications of pathogenicity. Review status: criteria provided, conflicting classifications (1 of 4 stars). 2 submissions from 2 submitters: Uncertain significance (1); Likely benign (1). Last evaluated 2024-04-23.

Conditions:
Hereditary cancer-predisposing syndrome. Also called: Hereditary neoplastic syndrome; Tumor predisposition; Hereditary Cancer Syndrome; Neoplastic Syndromes, Hereditary. Identifiers: Orphanet 140162, MedGen C0027672, MeSH D009386, MONDO:0015356.
Hereditary breast ovarian cancer syndrome. Also called: BRCA1- and BRCA2-Associated Hereditary Breast and Ovarian Cancer; Hereditary breast and ovarian cancer syndrome (HBOC); Hereditary breast and/or ovarian cancer syndrome; Hereditary breast and ovarian cancer syndrome; Hereditary breast and ovarian cancer; Breast and ovarian cancer. Identifiers: Orphanet 145, MedGen C0677776, MeSH D061325, MONDO:0003582. Disease mechanism: loss of function.

Submissions (2):

Labcorp Genetics (formerly Invitae), Labcorp
Classification: Uncertain significance for Hereditary breast ovarian cancer syndrome. Last evaluated: 2024-04-23. Review status: criteria provided, single submitter. Criteria: Invitae Variant Classification Sherloc (09022015). Collection method: clinical testing. Allele origin: germline.
Comment: This sequence change replaces tryptophan, which is neutral and slightly polar, with leucine, which is neutral and non-polar, at codon 1563 of the BRCA2 protein (p.Trp1563Leu). This variant is not present in population databases (gnomAD no frequency). This variant has not been reported in the literature in individuals affected with BRCA2-related conditions. ClinVar contains an entry for this variant (Variation ID: 220490). Advanced modeling of protein sequence and biophysical properties (such as structural, functional, and spatial information, amino acid conservation, physicochemical variation, residue mobility, and thermodynamic stability) performed at Invitae indicates that this missense variant is not expected to disrupt BRCA2 protein function with a negative predictive value of 95%. In summary, the available evidence is currently insufficient to determine the role of this variant in disease. Therefore, it has been classified as a Variant of Uncertain Significance.

University of Washington Department of Laboratory Medicine, University of Washington
Classification: Likely benign for Hereditary cancer-predisposing syndrome. Last evaluated: 2023-03-23. Review status: criteria provided, single submitter. Criteria: Dines et al. (Genet Med. 2020). Collection method: curation. Allele origin: germline.
Comment: Missense variant in a coldspot region where missense variants are very unlikely to be pathogenic (PMID:31911673).

BRCA2 exon 11 coldspot. Reclassification based on statistical prior probability.

NM_000059.4(BRCA2):c.4688G>T (p.Trp1563Leu)

Gene: BRCA2 (BRCA2 DNA repair associated; plus strand). Cytogenetic location: 13q13.1.
Variant type: single nucleotide variant.
Coding change: c.4688G>T on transcript NM_000059.4 (MANE Select); coding-DNA position 4688, G replaced by T.
Protein change: p.Trp1563Leu; replaces tryptophan 1563 with leucine.
Molecular consequence: missense variant.
Genome position (GRCh38, 1-based): chr13:32,339,043, G>T. VCF-style: chr13-32339043-G-T. GRCh37 (hg19) VCF-style: chr13-32913180-G-T.
Other names: short protein forms W1563L.
Identifiers: ClinVar variation 220490 (VCV000220490.12), dbSNP rs864622546, ClinGen allele CA349099.
Genomic context (GRCh38, chr13:32,339,043, plus strand): 5'-AAAACCTTTTTGATGAAAAAGAGCAAGGTACTAGTGAAATCACCAGTTTTAGCCATCAAT[G>T]GGCAAAGACCCTAAAGTACAGAGAGGCCTGTAAAGACCTTGAATTAGCATGTGAGACCAT-3'
Protein context (NP_000050.3, residues 1553-1573): TSEITSFSHQ[Trp1563Leu]AKTLKYREAC